The following is an entry in ClinVar:

NM_016156.6(MTMR2):c.1386+188A>G

Gene: MTMR2 (myotubularin related protein 2; minus strand). Cytogenetic location: 11q21.
Variant type: single nucleotide variant.
Coding change: c.1386+188A>G on transcript NM_016156.6 (MANE Select); 188 bases into the intron after coding-DNA position 1386, A replaced by G.
Molecular consequence: intron variant.
Genome position (GRCh38, 1-based): chr11:95,844,765, T>C on the plus strand (A>G on the coding strand, the complement: MTMR2 is on the minus strand). VCF-style: chr11-95844765-T-C. GRCh37 (hg19) VCF-style: chr11-95577929-T-C.
Other names: c.1170+188A>G (NM_201281.3, NM_201278.3, NM_001243571.2).
Identifiers: ClinVar variation 683217 (VCV000683217.1), dbSNP rs580255, ClinGen allele CA13393285.

ClinVar aggregate classification (germline): Benign (1 of 4 stars; one submission).

Allele frequency attached by ClinVar (database versions not stated): 1000 Genomes Project 30x 0.20206; 1000 Genomes Project 0.20627; gnomAD 0.27796 and 0.28136; TOPMed 0.27833.
gnomAD v4.1: 42,451 of 152,050 alleles (28%); highest among the groups gnomAD compares: Non-Finnish European, 38%; 7,114 homozygotes.

Submission:

GeneDx
Classification: Benign. Last evaluated: 2018-06-14. Review status: criteria provided, single submitter. Criteria: GeneDx Variant Classification (06012015). Collection method: clinical testing. Allele origin: germline. Affected: yes.
Comment: This variant is considered likely benign or benign based on one or more of the following criteria: it is a conservative change, it occurs at a poorly conserved position in the protein, it is predicted to be benign by multiple in silico algorithms, and/or has population frequency not consistent with disease.